The following is an entry in ClinVar:

ClinVar aggregate classification (germline): Likely benign. Review status: criteria provided, multiple submitters, no conflicts (2 of 4 stars). 2 submissions from 2 submitters: Likely benign (2). Last evaluated 2023-11-28.

Allele frequency attached by ClinVar (database versions not stated): gnomAD 0.00002; gnomAD exomes 0.00002 and 0.00001; TOPMed 0.00002; ExAC 0.00002.
gnomAD v4.1: 24 of 1,609,524 alleles (0.0015%); highest among the groups gnomAD compares: South Asian, 0.0077%; 1 homozygote.

Submissions (2):

Labcorp Genetics (formerly Invitae), Labcorp
Classification: Likely benign. Last evaluated: 2023-11-28. Review status: criteria provided, single submitter. Criteria: Invitae Variant Classification Sherloc (09022015). Collection method: clinical testing. Allele origin: germline.

GeneDx
Classification: Likely benign. Last evaluated: 2017-09-15. Review status: criteria provided, single submitter. Criteria: GeneDx Variant Classification (06012015). Collection method: clinical testing. Allele origin: germline. Affected: yes.
Comment: This variant is considered likely benign or benign based on one or more of the following criteria: it is a conservative change, it occurs at a poorly conserved position in the protein, it is predicted to be benign by multiple in silico algorithms, and/or has population frequency not consistent with disease.

NM_144628.4(TBC1D20):c.957-18C>T

Gene: TBC1D20 (TBC1 domain family member 20; minus strand). Cytogenetic location: 20p13.
Variant type: single nucleotide variant.
Coding change: c.957-18C>T on transcript NM_144628.4 (MANE Select); 18 bases into the intron before coding-DNA position 957, C replaced by T.
Molecular consequence: intron variant.
Genome position (GRCh38, 1-based): chr20:438,859, G>A on the plus strand (C>T on the coding strand, the complement: TBC1D20 is on the minus strand). VCF-style: chr20-438859-G-A. GRCh37 (hg19) VCF-style: chr20-419503-G-A.
Identifiers: ClinVar variation 512190 (VCV000512190.4), dbSNP rs765218095, ClinGen allele CA9723487.
Genomic context (GRCh38, chr20:438,859, plus strand): 5'-GGCTGATGCCAGCTCAAAGTCTTTGAAAGTAGAGGCTGCCGTCCTGCAGGGGAAAGAGAC[G>A]GAAGGAAGGAAGTGGTATGAAAGAGGAGGAGGAAAGCAAAACTACACCACATAGGCTGCG-3'